The following is an entry in ClinVar:

ClinVar aggregate classification (germline): Uncertain significance (1 of 4 stars; one submission).

Conditions:
Hereditary cancer-predisposing syndrome. Also called: Tumor predisposition; Neoplastic Syndromes, Hereditary; Hereditary Cancer Syndrome; Hereditary neoplastic syndrome. Identifiers: Orphanet 140162, MedGen C0027672, MeSH D009386, MONDO:0015356.

Submission:

Ambry Genetics
Classification: Uncertain significance for Hereditary cancer-predisposing syndrome. Last evaluated: 2024-09-09. Review status: criteria provided, single submitter. Criteria: Ambry Variant Classification Scheme 2023. Collection method: clinical testing. Allele origin: germline.
Comment: The p.P1544Q variant (also known as c.4631C>A), located in coding exon 13 of the BRCA1 gene, results from a C to A substitution at nucleotide position 4631. The proline at codon 1544 is replaced by glutamine, an amino acid with similar properties. This alteration was identified in an individual diagnosed with breast cancer (Kataki A et al. Clin Genet, 2005 Apr;67:322-9). Of note, this alteration is also known as 4750C>A in published literature. This amino acid position is not well conserved in available vertebrate species. In addition, the in silico prediction for this alteration is inconclusive. Based on the available evidence, the clinical significance of this variant remains unclear.

Literature cited by the submitters: PubMed 15733268.

NM_007294.4(BRCA1):c.4631C>A (p.Pro1544Gln)

Gene: BRCA1 (BRCA1 DNA repair associated; minus strand). Cytogenetic location: 17q21.31.
Variant type: single nucleotide variant.
Coding change: c.4631C>A on transcript NM_007294.4 (MANE Select); coding-DNA position 4631, C replaced by A.
Protein change: p.Pro1544Gln; replaces proline 1544 with glutamine.
Molecular consequence: missense variant. On other transcripts: intron variant (3).
Genome position (GRCh38, 1-based): chr17:43,074,375, G>T on the plus strand (C>A on the coding strand, the complement: BRCA1 is on the minus strand). VCF-style: chr17-43074375-G-T. GRCh37 (hg19) VCF-style: chr17-41226392-G-T.
Other names: c.4625C>A, p.Pro1542Gln (NM_001407628.1, NM_001407629.1, NM_001407630.1 and 14 more transcripts); c.4628C>A, p.Pro1543Gln (NM_001407860.1, NM_001407610.1, NM_001407611.1 and 17 more transcripts); c.4430C>A, p.Pro1477Gln (NM_001407862.1); c.4505C>A, p.Pro1502Gln (NM_001407863.1, NM_001407939.1, NM_001407940.1 and 11 more transcripts); c.4424C>A, p.Pro1475Gln (NM_001407874.1, NM_001407875.1); c.4421C>A, p.Pro1474Gln (NM_001407879.1, NM_001407881.1, NM_001407882.1 and 5 more transcripts); c.4418C>A, p.Pro1473Gln (NM_001407894.1, NM_001407895.1, NM_001407896.1 and 12 more transcripts); c.4415C>A, p.Pro1472Gln (NM_001407915.1, NM_001407916.1, NM_001407917.1 and 1 more transcripts); and 71 more; short protein forms P1247Q, P1456Q, P1474Q, P1475Q, P1496Q, P1502Q, P1516Q, P1524Q.
Identifiers: ClinVar variation 3481852 (VCV003481852.1).